The following is an entry in ClinVar:

NM_001037.5(SCN1B):c.263G>A (p.Gly88Asp)

Gene: SCN1B (sodium voltage-gated channel beta subunit 1; plus strand). Cytogenetic location: 19q13.11.
Variant type: single nucleotide variant.
Coding change: c.263G>A on transcript NM_001037.5 (MANE Select); coding-DNA position 263, G replaced by A.
Protein change: p.Gly88Asp; replaces glycine 88 with aspartic acid.
Molecular consequence: missense variant.
Genome position (GRCh38, 1-based): chr19:35,033,554, G>A. VCF-style: chr19-35033554-G-A. GRCh37 (hg19) VCF-style: chr19-35524458-G-A.
Other names: c.164G>A, p.Gly55Asp (NM_001321605.2); c.263G>A, p.Gly88Asp (NM_199037.5); short protein forms G88D, G55D.
Identifiers: ClinVar variation 954424 (VCV000954424.9), dbSNP rs2064227954, ClinGen allele CA405328652.

ClinVar aggregate classification (germline): Uncertain significance (1 of 4 stars; one submission).

Conditions:
Brugada syndrome 5 (BRGDA5). Identifiers: Orphanet 130, Orphanet 871, MedGen C2748541, MONDO:0013015, OMIM 612838.

Allele frequency attached by ClinVar (database versions not stated): TOPMed below 0.00001; gnomAD 0.00001.

Submission:

Labcorp Genetics (formerly Invitae), Labcorp
Classification: Uncertain significance for Brugada syndrome 5. Last evaluated: 2025-07-07. Review status: criteria provided, single submitter. Criteria: Invitae Variant Classification Sherloc (09022015). Collection method: clinical testing. Allele origin: germline.
Comment: This sequence change replaces glycine, which is neutral and non-polar, with aspartic acid, which is acidic and polar, at codon 88 of the SCN1B protein (p.Gly88Asp). This variant is not present in population databases (gnomAD no frequency). This variant has not been reported in the literature in individuals affected with SCN1B-related conditions. ClinVar contains an entry for this variant (Variation ID: 954424). An algorithm developed to predict the effect of missense changes on protein structure and function (PolyPhen-2) suggests that this variant is likely to be tolerated. In summary, the available evidence is currently insufficient to determine the role of this variant in disease. Therefore, it has been classified as a Variant of Uncertain Significance.